The following is an entry in ClinVar:

ClinVar aggregate classification (germline): Uncertain significance (1 of 4 stars; one submission).

Submission:

ISCA Site 6
Classification: Uncertain significance. Last evaluated: 2011-08-12. Review status: criteria provided, single submitter. Criteria: Kaminsky et al. (Genet Med. 2011). Collection method: clinical testing. Allele origin: unknown. Affected: yes. Observed: 1 variant allele.
Comment: Copy number variation identified through the course of routine clinical cytogenomic testing in postnatal populations. Clinical assertions have been curated as described in Kaminsky et al. 2011.

GRCh38/hg38 16q24.3(chr16:89730086-90081985)x1

Genes: CENPBD1 (CENPB DNA-binding domain containing 1; minus strand), DBNDD1 (dysbindin domain containing 1; minus strand), DEF8 (differentially expressed in FDCP 8 homolog; plus strand), DRC4 (dynein regulatory complex subunit 4; plus strand), FANCA (FA complementation group A; minus strand) and 48 more. Cytogenetic location: 16q24.3.
Variant type: copy number loss.
Change: copy number 1 (one copy instead of two) of chr16:89,730,086-90,081,985 (351.9 kb, GRCh38 coordinates, 1-based), cytogenetic band 16q24.3.
Identifiers: ClinVar variation 58271 (VCV000058271.3).